The following is an entry in ClinVar:

ClinVar aggregate classification (germline): Conflicting classifications of pathogenicity. Review status: criteria provided, conflicting classifications (1 of 4 stars). 4 submissions from 4 submitters: Uncertain significance (1); Likely benign (3). Last evaluated 2025-10-28.

Conditions:
Jalili syndrome. Also called: CONE-ROD DYSTROPHY AND AMELOGENESIS IMPERFECTA. Identifiers: Orphanet 1873, MedGen C3495589, MONDO:0009007, OMIM 217080.
CNNM4-related disorder. Also called: CNNM4-related condition.

Allele frequency attached by ClinVar (database versions not stated): gnomAD exomes 0.00004 and 0.00006; ExAC 0.00007; ESP Exome Variant Server 0.00008; gnomAD 0.00010 and 0.00011; TOPMed 0.00019; 1000 Genomes Project 0.00020; 1000 Genomes Project 30x 0.00031.
gnomAD v4.1: 80 of 1,614,022 alleles (0.005%); highest among the groups gnomAD compares: Middle Eastern, 0.049%; no homozygotes.

Submissions (4):

Labcorp Genetics (formerly Invitae), Labcorp
Classification: Likely benign. Last evaluated: 2025-10-28. Review status: criteria provided, single submitter. Criteria: Invitae Variant Classification Sherloc (09022015). Collection method: clinical testing. Allele origin: germline.

PreventionGenetics, part of Exact Sciences
Classification: Likely benign for CNNM4-related condition. Last evaluated: 2025-02-19. Review status: criteria provided, single submitter. Criteria: ACMG Guidelines, 2015. Collection method: clinical testing. Allele origin: germline.
Comment: This variant is classified as likely benign based on ACMG/AMP sequence variant interpretation guidelines (Richards et al. 2015 PMID: 25741868, with internal and published modifications).

Blueprint Genetics
Classification: Likely benign. Last evaluated: 2024-11-04. Review status: criteria provided, single submitter. Criteria: ACMG Guidelines, 2015. Collection method: clinical testing. Allele origin: germline.

Illumina Laboratory Services, Illumina
Classification: Uncertain significance for Jalili syndrome. Last evaluated: 2018-01-12. Review status: criteria provided, single submitter. Criteria: ICSL Variant Classification Criteria 13 December 2019. Collection method: clinical testing. Allele origin: germline.

NM_020184.4(CNNM4):c.1956C>T (p.Ser652=)

Gene: CNNM4 (cyclin and CBS domain divalent metal cation transport mediator 4; plus strand). Cytogenetic location: 2q11.2.
Variant type: single nucleotide variant.
Coding change: c.1956C>T on transcript NM_020184.4 (MANE Select); coding-DNA position 1956, C replaced by T.
Protein change: p.Ser652=; no amino-acid change (serine 652 retained).
Molecular consequence: synonymous variant.
Genome position (GRCh38, 1-based): chr2:96,808,568, C>T. VCF-style: chr2-96808568-C-T. GRCh37 (hg19) VCF-style: chr2-97474305-C-T.
Identifiers: ClinVar variation 899228 (VCV000899228.14), dbSNP rs149656750, ClinGen allele CA1783533.